The following is an entry in ClinVar:

ClinVar aggregate classification (germline): Conflicting classifications of pathogenicity. Review status: criteria provided, conflicting classifications (1 of 4 stars). 5 submissions from 5 submitters: Uncertain significance (4); Likely benign (1). Last evaluated 2025-12-21.

Conditions:
Polymerase proofreading-related adenomatous polyposis. Also called: Polymerase proofreading associated polyposis; Polymerase proofreading–associated polyposis (PPAP). Identifiers: Orphanet 447877, MedGen C5202613, MONDO:0018653.
Hereditary cancer-predisposing syndrome. Also called: Hereditary Cancer Syndrome; Hereditary neoplastic syndrome; Neoplastic Syndromes, Hereditary; Tumor predisposition. Identifiers: Orphanet 140162, MedGen C0027672, MeSH D009386, MONDO:0015356.

Allele frequency attached by ClinVar (database versions not stated): ExAC 0.00002; gnomAD 0.00003 and 0.00004; gnomAD exomes 0.00003 and 0.00007; TOPMed 0.00004.

Submissions (5):

Labcorp Genetics (formerly Invitae), Labcorp
Classification: Uncertain significance. Last evaluated: 2025-12-21. Review status: criteria provided, single submitter. Criteria: Invitae Variant Classification Sherloc (09022015). Collection method: clinical testing. Allele origin: germline.
Comment: This sequence change replaces glycine, which is neutral and non-polar, with alanine, which is neutral and non-polar, at codon 2256 of the POLE protein (p.Gly2256Ala). This variant is present in population databases (rs749707316, gnomAD 0.006%). This variant has not been reported in the literature in individuals affected with POLE-related conditions. ClinVar contains an entry for this variant (Variation ID: 405762). Invitae Evidence Modeling of protein sequence and biophysical properties (such as structural, functional, and spatial information, amino acid conservation, physicochemical variation, residue mobility, and thermodynamic stability) indicates that this missense variant is not expected to disrupt POLE protein function with a negative predictive value of 80%. In summary, the available evidence is currently insufficient to determine the role of this variant in disease. Therefore, it has been classified as a Variant of Uncertain Significance.

GeneDx
Classification: Uncertain significance. Last evaluated: 2025-04-18. Review status: criteria provided, single submitter. Criteria: GeneDx Variant Classification Process June 2021. Collection method: clinical testing. Allele origin: germline. Affected: yes.
Comment: In silico analysis indicates that this missense variant does not alter protein structure/function; Has not been previously published as pathogenic or benign to our knowledge

Ambry Genetics
Classification: Likely benign for Hereditary cancer-predisposing syndrome. Last evaluated: 2025-01-14. Review status: criteria provided, single submitter. Criteria: Ambry Variant Classification Scheme 2023. Collection method: clinical testing. Allele origin: germline.

Department of Pathology and Laboratory Medicine, Sinai Health System
Classification: Uncertain significance for Polymerase proofreading-related adenomatous polyposis. Last evaluated: 2022-09-13. Review status: criteria provided, single submitter. Criteria: ACMG Guidelines, 2015. Collection method: clinical testing. Allele origin: germline. Affected: yes.

Quest Diagnostics Nichols Institute San Juan Capistrano
Classification: Uncertain significance. Last evaluated: 2019-04-03. Review status: criteria provided, single submitter. Criteria: Quest Diagnostics criteria. Collection method: clinical testing. Allele origin: germline.

Literature cited by the submitters: PubMed 29056344 (cited by Quest Diagnostics Nichols Institute San Juan Capistrano).

NM_006231.4(POLE):c.6767G>C (p.Gly2256Ala)

Gene: POLE (DNA polymerase epsilon, catalytic subunit; minus strand). Cytogenetic location: 12q24.33.
Variant type: single nucleotide variant.
Coding change: c.6767G>C on transcript NM_006231.4 (MANE Select); coding-DNA position 6767, G replaced by C.
Protein change: p.Gly2256Ala; replaces glycine 2256 with alanine.
Molecular consequence: missense variant.
Genome position (GRCh38, 1-based): chr12:132,624,791, C>G on the plus strand (G>C on the coding strand, the complement: POLE is on the minus strand). VCF-style: chr12-132624791-C-G. GRCh37 (hg19) VCF-style: chr12-133201377-C-G.
Other names: short protein forms G2256A.
Identifiers: ClinVar variation 405762 (VCV000405762.16), dbSNP rs749707316, ClinGen allele CA6891966.